The following is an entry in ClinVar:

NM_016222.4(DDX41):c.1184C>G (p.Thr395Ser)

Gene: DDX41 (DEAD-box helicase 41; minus strand). Cytogenetic location: 5q35.3.
Variant type: single nucleotide variant.
Coding change: c.1184C>G on transcript NM_016222.4 (MANE Select); coding-DNA position 1184, C replaced by G.
Protein change: p.Thr395Ser; replaces threonine 395 with serine.
Molecular consequence: missense variant.
Genome position (GRCh38, 1-based): chr5:177,513,399, G>C on the plus strand (C>G on the coding strand, the complement: DDX41 is on the minus strand). VCF-style: chr5-177513399-G-C. GRCh37 (hg19) VCF-style: chr5-176940400-G-C.
Other names: c.806C>G, p.Thr269Ser (NM_001321732.2, NM_001321830.2); short protein forms T269S, T395S.
Identifiers: ClinVar variation 4238794 (VCV004238794.2).

ClinVar aggregate classification (germline): Uncertain significance (1 of 4 stars; one submission).

Conditions:
Inborn genetic diseases. Identifiers: MedGen C0950123, MeSH D030342.

Submission:

Ambry Genetics
Classification: Uncertain significance for Inborn genetic diseases. Last evaluated: 2025-10-02. Review status: criteria provided, single submitter. Criteria: Ambry Variant Classification Scheme 2023. Collection method: clinical testing. Allele origin: germline.
Comment: The p.T395S variant (also known as c.1184C>G), located in coding exon 11 of the DDX41 gene, results from a C to G substitution at nucleotide position 1184. The threonine at codon 395 is replaced by serine, an amino acid with similar properties. This amino acid position is conserved. In silico splice site analysis predicts that this alteration may result in the creation or strengthening of a novel splice donor site; however, direct evidence is insufficient at this time (Ambry internal data). In addition, the in silico prediction for this alteration is inconclusive. Based on the available evidence, the clinical significance of this variant remains unclear.